The following is an entry in ClinVar:

NM_003906.5(MCM3AP):c.4247GCA[1] (p.Ser1417del)

Genes: MCM3AP (minichromosome maintenance complex component 3 associated protein; minus strand), MCM3AP-AS1 (MCM3AP antisense RNA 1; plus strand). Cytogenetic location: 21q22.3.
Variant type: Microsatellite.
Coding change: c.4247GCA[1] on transcript NM_003906.5 (MANE Select); one copy of the 3-base unit GCA starting at c.4247; the reference has two copies in a row; one copy, 3 bases deleted.
Protein change: p.Ser1417del; deletes serine 1417.
Molecular consequence: inframe deletion. On other transcripts: non-coding transcript variant (2).
Genome position (GRCh38, 1-based): chr21:46,251,567-46,251,569, TGC deleted on the plus strand (GCA on the coding strand, the reverse complement: MCM3AP is on the minus strand); deleting any 3 consecutive bases within chr21:46,251,567-46,251,573 gives the same sequence; the position shown is the placement nearest the transcript's 3' end. VCF-style (leftmost placement, unchanged base first): chr21-46251566-TTGC-T. GRCh37 (hg19) VCF-style: chr21-47671480-TTGC-T.
Other names: short protein forms S1417del.
Identifiers: ClinVar variation 1490450 (VCV001490450.6), dbSNP rs760631704, ClinGen allele CA10076189.

ClinVar aggregate classification (germline): Uncertain significance (1 of 4 stars; one submission).

Submission:

Labcorp Genetics (formerly Invitae), Labcorp
Classification: Uncertain significance. Last evaluated: 2025-01-17. Review status: criteria provided, single submitter. Criteria: Invitae Variant Classification Sherloc (09022015). Collection method: clinical testing. Allele origin: germline.
Comment: This variant, c.4250_4252del, results in the deletion of 1 amino acid(s) of the MCM3AP protein (p.Ser1417del), but otherwise preserves the integrity of the reading frame. This variant is present in population databases (rs773096364, gnomAD 0.007%). This variant has not been reported in the literature in individuals affected with MCM3AP-related conditions. Experimental studies and prediction algorithms are not available or were not evaluated, and the functional significance of this variant is currently unknown. In summary, the available evidence is currently insufficient to determine the role of this variant in disease. Therefore, it has been classified as a Variant of Uncertain Significance.